The following is an entry in ClinVar:

NM_005732.4(RAD50):c.557T>C (p.Ile186Thr)

Gene: RAD50 (RAD50 double strand break repair protein; plus strand). Cytogenetic location: 5q31.1.
Variant type: single nucleotide variant.
Coding change: c.557T>C on transcript NM_005732.4 (MANE Select); coding-DNA position 557, T replaced by C.
Protein change: p.Ile186Thr; replaces isoleucine 186 with threonine.
Molecular consequence: missense variant.
Genome position (GRCh38, 1-based): chr5:132,579,867, T>C. VCF-style: chr5-132579867-T-C. GRCh37 (hg19) VCF-style: chr5-131915559-T-C.
Other names: short protein forms I186T.
Identifiers: ClinVar variation 2149292 (VCV002149292.4), dbSNP rs2479617158, ClinGen allele CA360935409.

ClinVar aggregate classification (germline): Uncertain significance (1 of 4 stars; one submission).

Conditions:
Hereditary cancer-predisposing syndrome. Also called: Tumor predisposition; Hereditary neoplastic syndrome; Hereditary Cancer Syndrome; Neoplastic Syndromes, Hereditary. Identifiers: Orphanet 140162, MedGen C0027672, MeSH D009386, MONDO:0015356.

Submission:

Labcorp Genetics (formerly Invitae), Labcorp
Classification: Uncertain significance for Hereditary cancer-predisposing syndrome. Last evaluated: 2022-09-20. Review status: criteria provided, single submitter. Criteria: Invitae Variant Classification Sherloc (09022015). Collection method: clinical testing. Allele origin: germline.
Comment: In summary, the available evidence is currently insufficient to determine the role of this variant in disease. Therefore, it has been classified as a Variant of Uncertain Significance. Advanced modeling of protein sequence and biophysical properties (such as structural, functional, and spatial information, amino acid conservation, physicochemical variation, residue mobility, and thermodynamic stability) performed at Invitae indicates that this missense variant is not expected to disrupt RAD50 protein function. This variant has not been reported in the literature in individuals affected with RAD50-related conditions. This variant is not present in population databases (gnomAD no frequency). This sequence change replaces isoleucine, which is neutral and non-polar, with threonine, which is neutral and polar, at codon 186 of the RAD50 protein (p.Ile186Thr).